The following is an entry in ClinVar:

NM_015338.6(ASXL1):c.3868G>A (p.Ala1290Thr)

Gene: ASXL1 (ASXL transcriptional regulator 1; plus strand). Cytogenetic location: 20q11.21.
Variant type: single nucleotide variant.
Coding change: c.3868G>A on transcript NM_015338.6 (MANE Select); coding-DNA position 3868, G replaced by A.
Protein change: p.Ala1290Thr; replaces alanine 1290 with threonine.
Molecular consequence: missense variant.
Genome position (GRCh38, 1-based): chr20:32,436,580, G>A. VCF-style: chr20-32436580-G-A. GRCh37 (hg19) VCF-style: chr20-31024383-G-A.
Other names: c.3685G>A, p.Ala1229Thr (NM_001363734.1); short protein forms A1229T, A1290T.
Identifiers: ClinVar variation 1327790 (VCV001327790.2), dbSNP rs2145388752, ClinGen allele CA408563963.

ClinVar aggregate classification (germline): Uncertain significance (1 of 4 stars; one submission).

Submission:

GeneDx
Classification: Uncertain significance. Last evaluated: 2021-06-11. Review status: criteria provided, single submitter. Criteria: GeneDx Variant Classification Process June 2021. Collection method: clinical testing. Allele origin: germline. Affected: yes.
Comment: Not observed at significant frequency in large population cohorts (Lek et al., 2016); In silico analysis supports that this missense variant does not alter protein structure/function; Has not been previously published as pathogenic or benign to our knowledge; This variant is associated with the following publications: (PMID: 27535533)